The following is an entry in ClinVar:

NM_000202.8(IDS):c.1387T>C (p.Tyr463His)

Gene: IDS (iduronate 2-sulfatase; minus strand). Cytogenetic location: Xq28.
Variant type: single nucleotide variant.
Coding change: c.1387T>C on transcript NM_000202.8 (MANE Select); coding-DNA position 1387, T replaced by C.
Protein change: p.Tyr463His; replaces tyrosine 463 with histidine.
Molecular consequence: missense variant.
Genome position (GRCh38, 1-based): chrX:149,483,012, A>G on the plus strand (T>C on the coding strand, the complement: IDS is on the minus strand). VCF-style: chrX-149483012-A-G. GRCh37 (hg19) VCF-style: chrX-148564543-A-G.
Other names: c.1117T>C, p.Tyr373His (NM_001166550.4); short protein forms Y373H, Y463H.
Identifiers: ClinVar variation 1683767 (VCV001683767.2), dbSNP rs1365886210, ClinGen allele CA414518203.

ClinVar aggregate classification (germline): Uncertain significance (1 of 4 stars; one submission).

Conditions:
Mucopolysaccharidosis, MPS-II (MPS2). Also called: Attenuated MPS (subtype; formerly known as mild MPS II); Severe MPS II; I2S deficiency; MPS 2; Hunter Syndrome; IDURONATE 2-SULFATASE DEFICIENCY. Identifiers: Orphanet 580, Orphanet 79388, MedGen C0026705, MONDO:0010674, OMIM 309900.

Allele frequency attached by ClinVar (database versions not stated): gnomAD exomes below 0.00001; TOPMed 0.00002.
gnomAD v4.1: 1 of 1,210,397 alleles (0.000083%); highest among the groups gnomAD compares: Non-Finnish European, 0.00011%; no homozygotes.

Submission:

Laboratorio de Genetica e Diagnostico Molecular, Hospital Israelita Albert Einstein
Classification: Uncertain significance for Mucopolysaccharidosis, MPS-II. Last evaluated: 2021-10-26. Review status: criteria provided, single submitter. Criteria: ACMG Guidelines, 2015. Collection method: clinical testing. Allele origin: germline. Affected: yes.
Comment: ACMG classification criteria: PM2 moderate, PP3 supporting